The following is an entry in ClinVar:

ClinVar aggregate classification (germline): Uncertain significance. Review status: criteria provided, multiple submitters, no conflicts (2 of 4 stars). 3 submissions from 3 submitters: Uncertain significance (3). Last evaluated 2025-10-21.

Allele frequency attached by ClinVar (database versions not stated): gnomAD exomes below 0.00001.
gnomAD v4.1: 2 of 1,612,698 alleles (0.00012%); highest among the groups gnomAD compares: Non-Finnish European, 0.000085%; no homozygotes.

Submissions (3):

Quest Diagnostics Nichols Institute San Juan Capistrano
Classification: Uncertain significance. Last evaluated: 2025-10-21. Review status: criteria provided, single submitter. Criteria: Quest Diagnostics criteria. Collection method: clinical testing. Allele origin: unknown.
Comment: The RECQL c.1491C>G (p.Ile497Met) variant has not been reported in individuals with RECQL-related conditions in the published literature. It also has not been reported in large, multi-ethnic general populations (Genome Aggregation Database). Analysis of this variant using bioinformatics tools for the prediction of the effect of amino acid changes on protein structure and function yielded predictions that this variant is benign. Based on the available information, we are unable to determine the clinical significance of this variant.

Labcorp Genetics (formerly Invitae), Labcorp
Classification: Uncertain significance. Last evaluated: 2025-04-03. Review status: criteria provided, single submitter. Criteria: Invitae Variant Classification Sherloc (09022015). Collection method: clinical testing. Allele origin: germline.
Comment: This sequence change replaces isoleucine, which is neutral and non-polar, with methionine, which is neutral and non-polar, at codon 497 of the RECQL protein (p.Ile497Met). This variant is not present in population databases (gnomAD no frequency). This variant has not been reported in the literature in individuals affected with RECQL-related conditions. ClinVar contains an entry for this variant (Variation ID: 1773790). Invitae Evidence Modeling of protein sequence and biophysical properties (such as structural, functional, and spatial information, amino acid conservation, physicochemical variation, residue mobility, and thermodynamic stability) indicates that this missense variant is not expected to disrupt RECQL protein function with a negative predictive value of 80%. In summary, the available evidence is currently insufficient to determine the role of this variant in disease. Therefore, it has been classified as a Variant of Uncertain Significance.

Ambry Genetics
Classification: Uncertain significance. Last evaluated: 2025-01-17. Review status: criteria provided, single submitter. Criteria: Ambry Variant Classification Scheme 2023. Collection method: clinical testing. Allele origin: germline.
Comment: The p.I497M variant (also known as c.1491C>G), located in coding exon 12 of the RECQL gene, results from a C to G substitution at nucleotide position 1491. The isoleucine at codon 497 is replaced by methionine, an amino acid with highly similar properties. This amino acid position is conserved. In addition, this alteration is predicted to be tolerated by in silico analysis. Since supporting evidence is limited at this time, the clinical significance of this alteration remains unclear.

NM_002907.4(RECQL):c.1491C>G (p.Ile497Met)

Gene: RECQL (RecQ like helicase; minus strand). Cytogenetic location: 12p12.1.
Variant type: single nucleotide variant.
Coding change: c.1491C>G on transcript NM_002907.4 (MANE Select); coding-DNA position 1491, C replaced by G.
Protein change: p.Ile497Met; replaces isoleucine 497 with methionine.
Molecular consequence: missense variant.
Genome position (GRCh38, 1-based): chr12:21,471,604, G>C on the plus strand (C>G on the coding strand, the complement: RECQL is on the minus strand). VCF-style: chr12-21471604-G-C. GRCh37 (hg19) VCF-style: chr12-21624538-G-C.
Other names: c.1491C>G, p.Ile497Met (NM_032941.3); short protein forms I497M.
Identifiers: ClinVar variation 1773790 (VCV001773790.6), dbSNP rs1942966942, ClinGen allele CA384116303.